The following is an entry in ClinVar:

ClinVar aggregate classification (germline): Uncertain significance (1 of 4 stars; one submission).

Conditions:
Jeune thoracic dystrophy. Also called: Jeune syndrome; Infantile thoracic dystrophy; Thoracic pelvic phalangeal dystrophy; Jeune's syndrome; Chondroectodermal dysplasia-like syndrome; Short-rib thoracic dysplasia. Identifiers: Orphanet 474, MedGen C0265275, MONDO:0018770.

Allele frequency attached by ClinVar (database versions not stated): gnomAD exomes below 0.00001; ExAC 0.00001.
gnomAD v4.1: 1 of 1,608,966 alleles (0.000062%); highest among the groups gnomAD compares: Admixed American, 0.0017%; no homozygotes.

Submission:

Labcorp Genetics (formerly Invitae), Labcorp
Classification: Uncertain significance for Jeune thoracic dystrophy. Last evaluated: 2022-08-16. Review status: criteria provided, single submitter. Criteria: Invitae Variant Classification Sherloc (09022015). Collection method: clinical testing. Allele origin: germline.
Comment: This sequence change replaces serine, which is neutral and polar, with glycine, which is neutral and non-polar, at codon 101 of the IFT80 protein (p.Ser101Gly). This variant is present in population databases (rs771512987, gnomAD 0.003%). This variant has not been reported in the literature in individuals affected with IFT80-related conditions. Algorithms developed to predict the effect of missense changes on protein structure and function are either unavailable or do not agree on the potential impact of this missense change (SIFT: "Tolerated"; PolyPhen-2: "Probably Damaging"; Align-GVGD: "Class C0"). In summary, the available evidence is currently insufficient to determine the role of this variant in disease. Therefore, it has been classified as a Variant of Uncertain Significance.

NM_020800.3(IFT80):c.301A>G (p.Ser101Gly)

Genes: TRIM59-IFT80 (TRIM59-IFT80 readthrough (NMD candidate); minus strand), IFT80 (intraflagellar transport 80; minus strand). Cytogenetic location: 3q25.33.
Variant type: single nucleotide variant.
Coding change: c.301A>G on transcript NM_020800.3 (MANE Select); coding-DNA position 301, A replaced by G.
Protein change: p.Ser101Gly; replaces serine 101 with glycine.
Molecular consequence: missense variant. On other transcripts: non-coding transcript variant (2), 5 prime UTR variant (2).
Genome position (GRCh38, 1-based): chr3:160,377,499, T>C on the plus strand (A>G on the coding strand, the complement: IFT80 is on the minus strand). VCF-style: chr3-160377499-T-C. GRCh37 (hg19) VCF-style: chr3-160095287-T-C.
Other names: c.-111A>G (NM_001190241.2, NM_001190242.2); short protein forms S101G.
Identifiers: ClinVar variation 2184527 (VCV002184527.1), dbSNP rs771512987, ClinGen allele CA2685532.